The following is an entry in ClinVar:

ClinVar aggregate classification (germline): Likely pathogenic. Review status: criteria provided, multiple submitters, no conflicts (2 of 4 stars). 2 submissions from 2 submitters: Likely pathogenic (2). Last evaluated 2025-11-13.

Conditions:
DUOX2-related disorder. Also called: DUOX2-related condition.

gnomAD v4.1: 2 of 1,613,450 alleles (0.00012%); highest among the groups gnomAD compares: Admixed American, 0.0017%; no homozygotes.

Submissions (2):

Labcorp Genetics (formerly Invitae), Labcorp
Classification: Likely pathogenic. Last evaluated: 2025-11-13. Review status: criteria provided, single submitter. Criteria: Invitae Variant Classification Sherloc (09022015). Collection method: clinical testing. Allele origin: germline.
Comment: This sequence change affects a donor splice site in intron 9 of the DUOX2 gene. It is expected to disrupt RNA splicing. Variants that disrupt the donor or acceptor splice site typically lead to a loss of protein function (PMID: 16199547), and loss-of-function variants in DUOX2 are known to be pathogenic (PMID: 12110737, 18765513, 21565790, 24423310, 24735383). This variant is present in population databases (no rsID available, gnomAD 0.003%). This variant has not been reported in the literature in individuals affected with DUOX2-related conditions. ClinVar contains an entry for this variant (Variation ID: 2630144). Algorithms developed to predict the effect of sequence changes on RNA splicing suggest that this variant may disrupt the consensus splice site. In summary, the currently available evidence indicates that the variant is pathogenic, but additional data are needed to prove that conclusively. Therefore, this variant has been classified as Likely Pathogenic.

PreventionGenetics, part of Exact Sciences
Classification: Likely pathogenic for DUOX2-related condition. Last evaluated: 2023-02-24. Review status: criteria provided, single submitter. Criteria: ACMG Guidelines, 2015. Collection method: clinical testing. Allele origin: germline.
Comment: The DUOX2 c.1040+1G>T variant is predicted to disrupt the GT donor site and interfere with normal splicing. To our knowledge, this variant has not been reported in the literature in individuals with DUOX2-related thyroid dyshormonogenesis. This variant is reported in 0.0033% of alleles in individuals of South Asian descent in gnomAD. Variants that disrupt consensus splice donor sites in DUOX2 are expected to be pathogenic. Therefore, this variant is interpreted as likely pathogenic.

Literature cited by the submitters: PubMed 16199547 (cited by Labcorp Genetics (formerly Invitae), Labcorp); PubMed 12110737 (cited by Labcorp Genetics (formerly Invitae), Labcorp); PubMed 18765513 (cited by Labcorp Genetics (formerly Invitae), Labcorp); PubMed 21565790 (cited by Labcorp Genetics (formerly Invitae), Labcorp); PubMed 24423310 (cited by Labcorp Genetics (formerly Invitae), Labcorp); PubMed 24735383 (cited by Labcorp Genetics (formerly Invitae), Labcorp).

NM_001363711.2(DUOX2):c.1040+1G>T

Gene: DUOX2 (dual oxidase 2; minus strand). Cytogenetic location: 15q21.1.
Variant type: single nucleotide variant.
Coding change: c.1040+1G>T on transcript NM_001363711.2 (MANE Select); the canonical splice donor site of the intron after coding-DNA position 1040, G replaced by T.
Molecular consequence: splice donor variant.
Genome position (GRCh38, 1-based): chr15:45,110,427, C>A on the plus strand (G>T on the coding strand, the complement: DUOX2 is on the minus strand). VCF-style: chr15-45110427-C-A. GRCh37 (hg19) VCF-style: chr15-45402625-C-A.
Other names: c.1040+1G>T (NM_014080.5).
Identifiers: ClinVar variation 2630144 (VCV002630144.2), dbSNP rs977021576, ClinGen allele CA392277995.